The following is an entry in ClinVar:

ClinVar aggregate classification (germline): Pathogenic. Review status: criteria provided, multiple submitters, no conflicts (2 of 4 stars). 8 submissions from 8 submitters: Pathogenic (8). Last evaluated 2025-10-07.

Conditions:
Classic or attenuated familial adenomatous polyposis. Identifiers: MedGen CN372698, MONDO:0021057.
Hereditary cancer-predisposing syndrome. Also called: Tumor predisposition; Hereditary neoplastic syndrome; Hereditary Cancer Syndrome; Neoplastic Syndromes, Hereditary. Identifiers: Orphanet 140162, MedGen C0027672, MeSH D009386, MONDO:0015356.
Familial adenomatous polyposis 1 (FAP1). Also called: FAMILIAL ADENOMATOUS POLYPOSIS 1, ATTENUATED; POLYPOSIS, ADENOMATOUS INTESTINAL. Identifiers: MedGen C2713442, MONDO:0021056, OMIM 175100. Disease mechanism: loss of function.

Submissions (8):

Labcorp Genetics (formerly Invitae), Labcorp
Classification: Pathogenic for Familial adenomatous polyposis 1. Last evaluated: 2025-10-07. Review status: criteria provided, single submitter. Criteria: Invitae Variant Classification Sherloc (09022015). Collection method: clinical testing. Allele origin: germline.
Comment: This sequence change creates a premature translational stop signal (p.Ser457*) in the APC gene. It is expected to result in an absent or disrupted protein product. Loss-of-function variants in APC are known to be pathogenic (PMID: 17963004, 20685668). This variant is not present in population databases (gnomAD no frequency). This premature translational stop signal has been observed in individual(s) with familial adenomatous polyposis (PMID: 17411426, 20223039, 20685668). ClinVar contains an entry for this variant (Variation ID: 411488). For these reasons, this variant has been classified as Pathogenic.

Quest Diagnostics Nichols Institute San Juan Capistrano
Classification: Pathogenic. Last evaluated: 2024-07-10. Review status: criteria provided, single submitter. Criteria: Quest Diagnostics criteria. Collection method: clinical testing. Allele origin: unknown.
Comment: The APC c.1370C>G (p.Ser457*) variant causes the premature termination of APC protein synthesis. This variant has been reported in the published literature in individuals and families with familial adenomatous polyposis (FAP) (PMIDs: 34224960 (2021), 17411426 (2007), 20223039 (2005)). This variant has not been reported in large, multi-ethnic general populations (Genome Aggregation Database). Based on the available information, this variant is classified as pathogenic.

All of Us Research Program, National Institutes of Health
Classification: Pathogenic for Classic or attenuated familial adenomatous polyposis. Last evaluated: 2024-03-28. Review status: criteria provided, single submitter. Criteria: ACMG Guidelines, 2015. Collection method: clinical testing. Allele origin: germline. Inheritance: Autosomal dominant inheritance. Observed: 1 variant allele, 1 heterozygote.
Comment: The c.1370C>G (p.Ser457*) variant in the APC gene is located on the exon 11 and introduces a premature translation termination codon (p.Ser457*), resulting in an absent or disrupted protein product. The variant has been reported in multiple individuals with familial adenomatous polyposis (PMID: 31062380, 20223039, 22135120, 31802619, 17411426). Loss-of-function variants of APC are known to be pathogenic (PMID: 26446593, 23159591, 31591141, 33769591). The variant is reported in ClinVar (ID: 411488). The variant is absent in the general population database (gnomAD). Therefore, the c.1370C>G (p.Ser457*) variant of APC has been classified as pathogenic.

This study involves interpretation of variants in research participants for the purpose of population health screening. Participant phenotype was not available at the time of variant classification. Additional details can be found in publication PMID: 35346344, PMCID: PMC8962531

Ambry Genetics
Classification: Pathogenic for Hereditary cancer-predisposing syndrome. Last evaluated: 2023-06-13. Review status: criteria provided, single submitter. Criteria: Ambry Variant Classification Scheme 2023. Collection method: clinical testing. Allele origin: germline.
Comment: The p.S457* pathogenic mutation (also known as c.1370C>G), located in coding exon 10 of the APC gene, results from a C to G substitution at nucleotide position 1370. This changes the amino acid from a serine to a stop codon within coding exon 10. This mutation has been identified in multiple individuals/families with familial adenomatous polyposis or attenuated familial adenomatous polyposis (Friedl W et al. Hered Cancer Clin Pract. 2005 Sep;3:95-114; Stekrova J et al. BMC Med. Genet. 2007;8:16; Lagarde A et al. J. Med. Genet. 2010 Oct;47:721-2). This variant is considered to be rare based on population cohorts in the Genome Aggregation Database (gnomAD). This alteration is expected to result in loss of function by premature protein truncation or nonsense-mediated mRNA decay. As such, this alteration is interpreted as a disease-causing mutation.

Myriad Genetics, Inc.
Classification: Pathogenic for Familial adenomatous polyposis 1. Last evaluated: 2023-05-01. Review status: criteria provided, single submitter. Criteria: Myriad Autosomal Dominant, Autosomal Recessive and X-Linked Classification Criteria (2023). Collection method: clinical testing. Allele origin: unknown.
Comment: This variant is considered pathogenic. This variant creates a termination codon and is predicted to result in premature protein truncation.

CeGaT Center for Human Genetics Tuebingen
Classification: Pathogenic. Last evaluated: 2020-07-01. Review status: criteria provided, single submitter. Criteria: CeGaT Center For Human Genetics Tuebingen Variant Classification Criteria Version 2. Collection method: clinical testing. Allele origin: germline. Affected: yes. Observed: 1 variant allele.

GeneDx
Classification: Pathogenic. Last evaluated: 2017-12-07. Review status: criteria provided, single submitter. Criteria: GeneDx Variant Classification (06012015). Collection method: clinical testing. Allele origin: germline. Affected: yes.
Comment: This pathogenic variant is denoted APC c.1370C>G at the cDNA level and p.Ser457Ter (S457X) at the protein level. The substitution creates a nonsense variant, which changes a Serine to a premature stop codon (TCA>TGA), and is predicted to cause loss of normal protein function through either protein truncation or nonsense-mediated mRNA decay. Ser457Ter has been observed in multiple individuals with Familial Adenomatous Polyposis (FAP) or Attenuated FAP, including at least two related individuals with congenital hypertrophy of the retinal pigment epithelium (CHRPE) (Wallis 1994, Michils 2002, Friedl 2005, Stekrova 2007). Based on currently available evidence, we consider this variant to be pathogenic.

ARUP Laboratories, Molecular Genetics and Genomics, ARUP Laboratories
Classification: Pathogenic. Last evaluated: 2016-09-05. Review status: criteria provided, single submitter. Criteria: ARUP Molecular Germline Variant Investigation Process. Collection method: clinical testing. Allele origin: germline.

Literature cited by the submitters: PubMed 17963004 (cited by Labcorp Genetics (formerly Invitae), Labcorp); PubMed 20685668 (cited by Labcorp Genetics (formerly Invitae), Labcorp and Ambry Genetics); PubMed 17411426 (cited by 4 submitters); PubMed 20223039 (cited by 4 submitters); PubMed 25525159 (cited by Quest Diagnostics Nichols Institute San Juan Capistrano and Ambry Genetics); PubMed 34224960 (cited by Quest Diagnostics Nichols Institute San Juan Capistrano); PubMed 22135120 (cited by All of Us Research Program, National Institutes of Health); PubMed 23159591 (cited by All of Us Research Program, National Institutes of Health); PubMed 26446593 (cited by All of Us Research Program, National Institutes of Health); PubMed 31062380 (cited by All of Us Research Program, National Institutes of Health); PubMed 31591141 (cited by All of Us Research Program, National Institutes of Health); PubMed 31802619 (cited by All of Us Research Program, National Institutes of Health); PubMed 33769591 (cited by All of Us Research Program, National Institutes of Health).

NM_000038.6(APC):c.1370C>G (p.Ser457Ter)

Gene: APC (APC regulator of Wnt signaling pathway; plus strand). Cytogenetic location: 5q22.2.
Variant type: single nucleotide variant.
Coding change: c.1370C>G on transcript NM_000038.6 (MANE Select); coding-DNA position 1370, C replaced by G.
Protein change: p.Ser457Ter; replaces serine 457 with a stop codon.
Molecular consequence: nonsense.
Genome position (GRCh38, 1-based): chr5:112,821,953, C>G. VCF-style: chr5-112821953-C-G. GRCh37 (hg19) VCF-style: chr5-112157650-C-G.
Other names: c.1370C>G, p.Ser457Ter (NM_001127510.3, NM_001354895.2, NM_001354896.2); c.1316C>G, p.Ser439Ter (NM_001127511.3); c.1400C>G, p.Ser467Ter (NM_001354897.2); c.1295C>G, p.Ser432Ter (NM_001354898.2); c.1286C>G, p.Ser429Ter (NM_001354899.2); c.1193C>G, p.Ser398Ter (NM_001354900.2, NM_001354901.2); c.1097C>G, p.Ser366Ter (NM_001354902.2); c.1067C>G, p.Ser356Ter (NM_001354903.2); and 3 more; short protein forms S439*, S457*, S174*, S331*, S356*, S398*, S429*, S467*.
Identifiers: ClinVar variation 411488 (VCV000411488.54), dbSNP rs1060503333, ClinGen allele CA16024304.